The following is an entry in ClinVar:

NM_032119.4(ADGRV1):c.358-14G>A

Gene: ADGRV1 (adhesion G protein-coupled receptor V1; plus strand). Cytogenetic location: 5q14.3.
Variant type: single nucleotide variant.
Coding change: c.358-14G>A on transcript NM_032119.4 (MANE Select); 14 bases into the intron before coding-DNA position 358, G replaced by A.
Molecular consequence: intron variant.
Genome position (GRCh38, 1-based): chr5:90,619,072, G>A. VCF-style: chr5-90619072-G-A. GRCh37 (hg19) VCF-style: chr5-89914889-G-A.
Identifiers: ClinVar variation 1491213 (VCV001491213.6), dbSNP rs751886247, ClinGen allele CA3338451.

ClinVar aggregate classification (germline): Uncertain significance (1 of 4 stars; one submission).

gnomAD v4.1: 2 of 1,233,122 alleles (0.00016%); highest among the groups gnomAD compares: South Asian, 0.0039%; no homozygotes.

Submission:

Labcorp Genetics (formerly Invitae), Labcorp
Classification: Uncertain significance. Last evaluated: 2022-11-08. Review status: criteria provided, single submitter. Criteria: Invitae Variant Classification Sherloc (09022015). Collection method: clinical testing. Allele origin: germline.
Comment: ClinVar contains an entry for this variant (Variation ID: 1491213). In summary, the available evidence is currently insufficient to determine the role of this variant in disease. Therefore, it has been classified as a Variant of Uncertain Significance. Algorithms developed to predict the effect of sequence changes on RNA splicing suggest that this variant may disrupt the consensus splice site. This variant has not been reported in the literature in individuals affected with ADGRV1-related conditions. The frequency data for this variant in the population databases is considered unreliable, as metrics indicate poor data quality at this position in the gnomAD database. This sequence change falls in intron 3 of the ADGRV1 gene. It does not directly change the encoded amino acid sequence of the ADGRV1 protein.